The following is an entry in ClinVar:

NM_006642.5(SDCCAG8):c.118G>T (p.Asp40Tyr)

Gene: SDCCAG8 (SHH signaling and ciliogenesis regulator SDCCAG8; plus strand). Cytogenetic location: 1q43.
Variant type: single nucleotide variant.
Coding change: c.118G>T on transcript NM_006642.5 (MANE Select); coding-DNA position 118, G replaced by T.
Protein change: p.Asp40Tyr; replaces aspartic acid 40 with tyrosine.
Molecular consequence: missense variant. On other transcripts: 5 prime UTR variant (4).
Genome position (GRCh38, 1-based): chr1:243,270,155, G>T. VCF-style: chr1-243270155-G-T. GRCh37 (hg19) VCF-style: chr1-243433457-G-T.
Other names: c.-995G>T (NM_001350246.2); c.-883G>T (NM_001350247.2); c.118G>T, p.Asp40Tyr (NM_001350248.2); c.-177G>T (NM_001350249.2); c.-1256G>T (NM_001350251.2); short protein forms D40Y.
Identifiers: ClinVar variation 3760232 (VCV003760232.2).
Genomic context (GRCh38, chr1:243,270,155, plus strand): 5'-GTTCTTGCAGAACATGCCAGCAGAAGCATTCACCAACTGACATGTGCCCTGAAAGAAGGC[G>T]ATGTCACTATTGGAGAAGATGCACCAAATCTTTCTTTTAGCACCAGTGTGGGAAATGAGG-3'
Protein context (NP_006633.1, residues 30-50): HQLTCALKEG[Asp40Tyr]VTIGEDAPNL

ClinVar aggregate classification (germline): Uncertain significance (1 of 4 stars; one submission).

Conditions:
Senior-Loken syndrome 7 (SLSN7). Identifiers: Orphanet 3156, MedGen C3150877, MONDO:0013326, OMIM 613615.
Bardet-Biedl syndrome 16 (BBS16). Identifiers: Orphanet 110, MedGen C3889474, MONDO:0014444, OMIM 615993.

Submission:

Labcorp Genetics (formerly Invitae), Labcorp
Classification: Uncertain significance for Bardet-Biedl syndrome 16; Senior-Loken syndrome 7. Last evaluated: 2024-07-30. Review status: criteria provided, single submitter. Criteria: Invitae Variant Classification Sherloc (09022015). Collection method: clinical testing. Allele origin: germline.
Comment: This sequence change replaces aspartic acid, which is acidic and polar, with tyrosine, which is neutral and polar, at codon 40 of the SDCCAG8 protein (p.Asp40Tyr). This variant is not present in population databases (gnomAD no frequency). This variant has not been reported in the literature in individuals affected with SDCCAG8-related conditions. An algorithm developed to predict the effect of missense changes on protein structure and function (PolyPhen-2) suggests that this variant is likely to be disruptive. In summary, the available evidence is currently insufficient to determine the role of this variant in disease. Therefore, it has been classified as a Variant of Uncertain Significance.